The following is an entry in ClinVar:

NC_000018.9:g.(?_59805466)_(60131307_?)dup

Genes: PIGN (phosphatidylinositol glycan anchor biosynthesis class N; minus strand), RELCH (RAB11 binding and LisH domain, coiled-coil and HEAT repeat containing; plus strand), TNFRSF11A (TNF receptor superfamily member 11a; plus strand). Cytogenetic location: 18q21.33.
Variant type: Duplication.
Identifiers: ClinVar variation 1012055 (VCV001012055.1).

ClinVar aggregate classification (germline): Uncertain significance (1 of 4 stars; one submission).

Conditions:
Multiple congenital anomalies-hypotonia-seizures syndrome 1 (MCAHS1). Also called: GLYCOSYLPHOSPHATIDYLINOSITOL BIOSYNTHESIS DEFECT 3; PIGN-CDG; Congenital disorder of glycosylation due to PIGN deficiency. Identifiers: Orphanet 280633, MedGen C3279775, MONDO:0013563, OMIM 614080.

Submission:

Labcorp Genetics (formerly Invitae), Labcorp
Classification: Uncertain significance for Multiple congenital anomalies-hypotonia-seizures syndrome 1. Last evaluated: 2020-10-13. Review status: criteria provided, single submitter. Criteria: Invitae Variant Classification Sherloc (09022015). Collection method: clinical testing. Allele origin: germline.
Comment: This variant results in a copy number gain of the genomic region encompassing exon(s) 1-14 of the PIGN gene, which includes the initiator codon. The 5' end of this event is unknown as it extends beyond the assayed region for this gene and therefore may encompass additional genes. The 3' boundary is likely confined to intron 14 of the PIGN gene. As the precise location of this event is unknown, it may be in tandem or it may be located elsewhere in the genome. This variant has not been reported in the literature in individuals with PIGN-related conditions. Experimental studies and prediction algorithms are not available or were not evaluated, and the functional significance of this variant is currently unknown. In summary, the available evidence is currently insufficient to determine the role of this variant in disease. Therefore, it has been classified as a Variant of Uncertain Significance.